The following is an entry in ClinVar:

NM_006767.4(LZTR1):c.2518A>G (p.Ile840Val)

Gene: LZTR1 (leucine zipper like post translational regulator 1; plus strand). Cytogenetic location: 22q11.21.
Variant type: single nucleotide variant.
Coding change: c.2518A>G on transcript NM_006767.4 (MANE Select); coding-DNA position 2518, A replaced by G.
Protein change: p.Ile840Val; replaces isoleucine 840 with valine.
Molecular consequence: missense variant.
Genome position (GRCh38, 1-based): chr22:20,997,343, A>G. VCF-style: chr22-20997343-A-G. GRCh37 (hg19) VCF-style: chr22-21351632-A-G.
Other names: short protein forms I840V.
Identifiers: ClinVar variation 4859406 (VCV004859406.1).

ClinVar aggregate classification (germline): Uncertain significance (1 of 4 stars; one submission).

Conditions:
Cardiovascular phenotype. Identifiers: MedGen CN230736.
Hereditary cancer-predisposing syndrome. Also called: Neoplastic Syndromes, Hereditary; Tumor predisposition; Hereditary Cancer Syndrome; Hereditary neoplastic syndrome. Identifiers: Orphanet 140162, MedGen C0027672, MeSH D009386, MONDO:0015356.

Submission:

Ambry Genetics
Classification: Uncertain significance for Cardiovascular phenotype; Hereditary cancer-predisposing syndrome. Last evaluated: 2026-05-15. Review status: criteria provided, single submitter. Criteria: Ambry Variant Classification Scheme 2023. Collection method: clinical testing. Allele origin: germline.
Comment: The p.I840V variant (also known as c.2518A>G), located in coding exon 21 of the LZTR1 gene, results from an A to G substitution at nucleotide position 2518. The isoleucine at codon 840 is replaced by valine, an amino acid with highly similar properties. This amino acid position is conserved. In addition, the in silico prediction for this alteration is inconclusive. Based on the available evidence, the clinical significance of this variant remains unclear.